The following is an entry in ClinVar:

NM_000553.6(WRN):c.980_983dup (p.Gln329fs)

Gene: WRN (WRN RecQ like helicase; plus strand). Cytogenetic location: 8p12.
Variant type: Duplication.
Coding change: c.980_983dup on transcript NM_000553.6 (MANE Select); coding-DNA positions 980 to 983, 4 bases duplicated (GAGT; older notation c.980_983dupGAGT).
Protein change: p.Gln329fs; shifts the reading frame from glutamine 329.
Molecular consequence: frameshift variant.
Genome position (GRCh38, 1-based): chr8:31,081,007-31,081,010, GAGT duplicated. VCF-style (leftmost placement, unchanged base first): chr8-31081006-G-GGAGT. GRCh37 (hg19) VCF-style: chr8-30938522-G-GGAGT.
Other names: short protein forms Q329fs.
Identifiers: ClinVar variation 642354 (VCV000642354.5), dbSNP rs1585427710, ClinGen allele CA915945636.
Genomic context (GRCh38, chr8:31,081,006, plus strand): 5'-ACTGAACTGAGGCCCAGCAATAATTTAAACTTATTATCCTTTGAAGATTCAACTACTGGG[G>GGAGT]GAGTACAACAGAAACAAATTAGAGAACATGAAGTTTTAATTCACGTTGAAGATGAAACAT-3'

ClinVar aggregate classification (germline): Pathogenic (1 of 4 stars; one submission).

Conditions:
Werner syndrome (WRN). Identifiers: Orphanet 902, MedGen C0043119, MONDO:0010196, OMIM 277700.

Submission:

Labcorp Genetics (formerly Invitae), Labcorp
Classification: Pathogenic for Werner syndrome. Last evaluated: 2024-04-22. Review status: criteria provided, single submitter. Criteria: Invitae Variant Classification Sherloc (09022015). Collection method: clinical testing. Allele origin: germline.
Comment: This sequence change creates a premature translational stop signal (p.Gln329Serfs*7) in the WRN gene. It is expected to result in an absent or disrupted protein product. Loss-of-function variants in WRN are known to be pathogenic (PMID: 16673358). This variant is not present in population databases (gnomAD no frequency). This variant has not been reported in the literature in individuals affected with WRN-related conditions. ClinVar contains an entry for this variant (Variation ID: 642354). For these reasons, this variant has been classified as Pathogenic.

Literature cited by the submitters: PubMed 16673358.